The following is an entry in ClinVar:

NM_001352702.2(PTK2):c.1177+9092T>G

Gene: PTK2 (protein tyrosine kinase 2; minus strand). Cytogenetic location: 8q24.3.
Variant type: single nucleotide variant.
Coding change: c.1177+9092T>G on transcript NM_001352702.2 (MANE Select); 9092 bases into the intron after coding-DNA position 1177, T replaced by G.
Molecular consequence: intron variant.
Genome position (GRCh38, 1-based): chr8:140,780,382, A>C on the plus strand (T>G on the coding strand, the complement: PTK2 is on the minus strand). VCF-style: chr8-140780382-A-C. GRCh37 (hg19) VCF-style: chr8-141790481-A-C.
Other names: c.1177+9092T>G (NM_001352699.2, NM_001352694.2, NM_001352720.2 and 50 more transcripts); c.667+9092T>G (NM_001352746.2); c.775+9092T>G (NM_001352742.2, NM_001352735.2); c.730+9092T>G (NM_001352745.2, NM_001352744.2, NM_001387590.1 and 1 more transcripts); c.838+9092T>G (NM_001352741.2, NM_001352738.2, NM_001316342.2 and 26 more transcripts); c.1069+9092T>G (NM_001352728.2, NM_001352729.2, NM_001352726.2 and 6 more transcripts); c.1174+9092T>G (NM_001352711.2); c.-463+9092T>G (NM_001352747.2); and 6 more.
Identifiers: ClinVar variation 1266242 (VCV001266242.2), dbSNP rs7843014, ClinGen allele CA12849951.

ClinVar aggregate classification (germline): Benign (1 of 4 stars; one submission).

Allele frequency attached by ClinVar (database versions not stated): gnomAD 0.58595; TOPMed 0.59719; 1000 Genomes Project 0.65375; 1000 Genomes Project 30x 0.65740.
gnomAD v4.1: 88,729 of 151,946 alleles (58%); highest among the groups gnomAD compares: African/African-American, 79%; 27,569 homozygotes.

Submission:

GeneDx
Classification: Benign. Last evaluated: 2020-02-18. Review status: criteria provided, single submitter. Criteria: GeneDx Variant Classification Process June 2021. Collection method: clinical testing. Allele origin: germline. Affected: yes.
Comment: This variant is associated with the following publications: (PMID: 24930376)